The following is an entry in ClinVar:

NM_014339.7(IL17RA):c.896C>A (p.Ala299Glu)

Gene: IL17RA (interleukin 17 receptor A; plus strand). Cytogenetic location: 22q11.1.
Variant type: single nucleotide variant.
Coding change: c.896C>A on transcript NM_014339.7 (MANE Select); coding-DNA position 896, C replaced by A.
Protein change: p.Ala299Glu; replaces alanine 299 with glutamic acid.
Molecular consequence: missense variant.
Genome position (GRCh38, 1-based): chr22:17,104,775, C>A. VCF-style: chr22-17104775-C-A. GRCh37 (hg19) VCF-style: chr22-17585665-C-A.
Other names: c.896C>A, p.Ala299Glu (NM_001289905.2); short protein forms A299E.
Identifiers: ClinVar variation 1955459 (VCV001955459.5), dbSNP rs746356951, ClinGen allele CA410213977.

ClinVar aggregate classification (germline): Uncertain significance (1 of 4 stars; one submission).

Conditions:
Immunodeficiency 51 (IMD51). Also called: CANDIDIASIS, FAMILIAL, 5. Identifiers: Orphanet 1334, MedGen C4310803, MONDO:0013500, OMIM 613953.

Submission:

Labcorp Genetics (formerly Invitae), Labcorp
Classification: Uncertain significance for Immunodeficiency 51. Last evaluated: 2022-05-30. Review status: criteria provided, single submitter. Criteria: Invitae Variant Classification Sherloc (09022015). Collection method: clinical testing. Allele origin: germline.
Comment: This sequence change replaces alanine, which is neutral and non-polar, with glutamic acid, which is acidic and polar, at codon 299 of the IL17RA protein (p.Ala299Glu). This variant is present in population databases (no rsID available, gnomAD 0.002%). This variant has not been reported in the literature in individuals affected with IL17RA-related conditions. Algorithms developed to predict the effect of missense changes on protein structure and function (SIFT, PolyPhen-2, Align-GVGD) all suggest that this variant is likely to be tolerated. In summary, the available evidence is currently insufficient to determine the role of this variant in disease. Therefore, it has been classified as a Variant of Uncertain Significance.